The following is an entry in ClinVar:

ClinVar aggregate classification (germline): Pathogenic (1 of 4 stars; one submission).

Conditions:
Mucopolysaccharidosis, MPS-III-A (MPS3A). Also called: Mucopolysaccharidosis type IIIA (Sanfilippo A); HEPARAN SULFATE SULFATASE DEFICIENCY; SANFILIPPO SYNDROME A; SULFAMIDASE DEFICIENCY; MPS III A; Mucopolysaccharidosis, type IIIA. Identifiers: Orphanet 581, Orphanet 79269, MedGen C0086647, MONDO:0009655, OMIM 252900.

Submission:

Labcorp Genetics (formerly Invitae), Labcorp
Classification: Pathogenic for Mucopolysaccharidosis, MPS-III-A. Last evaluated: 2024-03-07. Review status: criteria provided, single submitter. Criteria: Invitae Variant Classification Sherloc (09022015). Collection method: clinical testing. Allele origin: germline.
Comment: This variant, c.250_255del, results in the deletion of 2 amino acid(s) of the SGSH protein (p.His84_Gln85del), but otherwise preserves the integrity of the reading frame. This variant is present in population databases (rs757278903, gnomAD 0.007%). This variant has not been reported in the literature in individuals affected with SGSH-related conditions. Algorithms developed to predict the effect of sequence changes on RNA splicing suggest that this variant may disrupt the consensus splice site. This variant disrupts a region of the SGSH protein in which other variant(s) (p.Gln85Arg) have been determined to be pathogenic (PMID: 15542396). This suggests that this is a clinically significant region of the protein, and that variants that disrupt it are likely to be disease-causing. For these reasons, this variant has been classified as Pathogenic.

Literature cited by the submitters: PubMed 15542396.

NC_000017.11:g.80215136_80215141del

Gene: SGSH (N-sulfoglucosamine sulfohydrolase; minus strand). Cytogenetic location: 17q25.3.
Variant type: Deletion.
Genome position: GRCh38 VCF-style: chr17-80215132-TCTGATG-T. GRCh37 (hg19) VCF-style: chr17-78188931-TCTGATG-T.
Identifiers: ClinVar variation 3644953 (VCV003644953.2).